The following is an entry in ClinVar:

NM_000075.4(CDK4):c.549C>T (p.Pro183=)

Gene: CDK4 (cyclin dependent kinase 4; minus strand). Cytogenetic location: 12q14.1.
Variant type: single nucleotide variant.
Coding change: c.549C>T on transcript NM_000075.4 (MANE Select); coding-DNA position 549, C replaced by T.
Protein change: p.Pro183=; no amino-acid change (proline 183 retained).
Molecular consequence: synonymous variant.
Genome position (GRCh38, 1-based): chr12:57,750,739, G>A on the plus strand (C>T on the coding strand, the complement: CDK4 is on the minus strand). VCF-style: chr12-57750739-G-A. GRCh37 (hg19) VCF-style: chr12-58144522-G-A.
Other names: c.549C>T (LRG_490t1).
Identifiers: ClinVar variation 186813 (VCV000186813.22), dbSNP rs778696237, ClinGen allele CA195943.

ClinVar aggregate classification (germline): Benign/Likely benign. Review status: criteria provided, multiple submitters, no conflicts (2 of 4 stars). 9 submissions from 9 submitters: Benign (2); Likely benign (5). 2 of the submissions do not count toward it. Last evaluated 2026-01-24.

Conditions:
Familial melanoma. Also called: Hereditary melanoma; Hereditary cutaneous melanoma. Identifiers: Orphanet 618, MedGen C1512419, MONDO:0018961.
Hereditary cancer-predisposing syndrome. Also called: Neoplastic Syndromes, Hereditary; Tumor predisposition; Hereditary Cancer Syndrome; Hereditary neoplastic syndrome. Identifiers: Orphanet 140162, MedGen C0027672, MeSH D009386, MONDO:0015356.
Melanoma, cutaneous malignant, susceptibility to, 3. Also called: Cutaneous malignant melanoma 3. Identifiers: Orphanet 618, MedGen C1836892, MONDO:0012183, OMIM 609048.

Allele frequency attached by ClinVar (database versions not stated): gnomAD 0.00003; ExAC 0.00001; TOPMed 0.00002.
gnomAD v4.1: 33 of 1,613,844 alleles (0.002%); highest among the groups gnomAD compares: Non-Finnish European, 0.0027%; no homozygotes.

Submissions (9):

Labcorp Genetics (formerly Invitae), Labcorp
Classification: Likely benign for Familial melanoma. Last evaluated: 2026-01-24. Review status: criteria provided, single submitter. Criteria: Invitae Variant Classification Sherloc (09022015). Collection method: clinical testing. Allele origin: germline.

Center for Genomic Medicine, Rigshospitalet, Copenhagen University Hospital
Classification: Likely benign. Last evaluated: 2025-12-29. Review status: criteria provided, single submitter. Criteria: ACMG Guidelines, 2015. Collection method: clinical testing. Allele origin: germline.

Myriad Genetics, Inc.
Classification: Benign for Melanoma, cutaneous malignant, susceptibility to, 3. Last evaluated: 2023-03-07. Review status: criteria provided, single submitter. Criteria: Myriad Autosomal Dominant, Autosomal Recessive and X-Linked Classification Criteria (2023). Collection method: clinical testing. Allele origin: unknown.
Comment: This variant is considered benign. This variant is a silent/synonymous amino acid change and it is not expected to impact splicing.

Quest Diagnostics Nichols Institute San Juan Capistrano
Classification: Benign. Last evaluated: 2022-12-21. Review status: criteria provided, single submitter. Criteria: Quest Diagnostics criteria. Collection method: clinical testing. Allele origin: unknown.

Women's Health and Genetics/Laboratory Corporation of America, LabCorp
Classification: Likely benign. Last evaluated: 2022-06-09. Review status: criteria provided, single submitter. Criteria: LabCorp Variant Classification Summary - May 2015. Collection method: clinical testing. Allele origin: germline.

GeneDx
Classification: Likely benign. Last evaluated: 2017-04-04. Review status: criteria provided, single submitter. Criteria: GeneDx Variant Classification (06012015). Collection method: clinical testing. Allele origin: germline. Affected: yes.
Comment: This variant is considered likely benign or benign based on one or more of the following criteria: it is a conservative change, it occurs at a poorly conserved position in the protein, it is predicted to be benign by multiple in silico algorithms, and/or has population frequency not consistent with disease.

Ambry Genetics
Classification: Likely benign for Hereditary cancer-predisposing syndrome. Last evaluated: 2014-10-31. Review status: criteria provided, single submitter. Criteria: Ambry Variant Classification Scheme 2023. Collection method: clinical testing. Allele origin: germline.

True Health Diagnostics
Classification: Likely benign for Hereditary cancer-predisposing syndrome. Last evaluated: 2017-12-08. Review status: no assertion criteria provided. Collection method: clinical testing. Allele origin: germline. Not counted in ClinVar's aggregate classification.

Counsyl
Classification: Likely benign for Melanoma, cutaneous malignant, susceptibility to, 3. Last evaluated: 2016-07-05. Review status: no assertion criteria provided. Collection method: clinical testing. Allele origin: unknown. Not counted in ClinVar's aggregate classification.